The following is an entry in ClinVar:

NM_004187.5(KDM5C):c.2048C>T (p.Ala683Val)

Gene: KDM5C (lysine demethylase 5C; minus strand). Cytogenetic location: Xp11.22.
Variant type: single nucleotide variant.
Coding change: c.2048C>T on transcript NM_004187.5 (MANE Select); coding-DNA position 2048, C replaced by T.
Protein change: p.Ala683Val; replaces alanine 683 with valine.
Molecular consequence: missense variant. On other transcripts: non-coding transcript variant (3).
Genome position (GRCh38, 1-based): chrX:53,201,563, G>A on the plus strand (C>T on the coding strand, the complement: KDM5C is on the minus strand). VCF-style: chrX-53201563-G-A. GRCh37 (hg19) VCF-style: chrX-53230745-G-A.
Other names: c.1847C>T, p.Ala616Val (NM_001146702.2); c.2045C>T, p.Ala682Val (NM_001282622.3, NM_001353979.2, NM_001353982.2); c.2048C>T, p.Ala683Val (NM_001353978.3, NM_001353981.2, NM_001353984.2); short protein forms A616V, A682V, A683V.
Identifiers: ClinVar variation 3906781 (VCV003906781.1).

ClinVar aggregate classification (germline): Uncertain significance (1 of 4 stars; one submission).

gnomAD v4.1: 2 of 1,211,091 alleles (0.00017%); highest among the groups gnomAD compares: Admixed American, 0.0022%; no homozygotes.

Submission:

GeneDx
Classification: Uncertain significance. Last evaluated: 2024-12-23. Review status: criteria provided, single submitter. Criteria: GeneDx Variant Classification Process June 2021. Collection method: clinical testing. Allele origin: germline. Affected: yes.
Comment: In silico analysis supports a deleterious effect on splicing; In silico analysis indicates that this missense variant does not alter protein structure/function; Has not been previously published as pathogenic or benign to our knowledge